The following is an entry in ClinVar:

NM_015978.3(TNNI3K):c.149+11_149+19del

Genes: FPGT-TNNI3K (FPGT-TNNI3K readthrough; plus strand), TNNI3K (TNNI3 interacting kinase; plus strand). Cytogenetic location: 1p31.1.
Variant type: Deletion.
Coding change: c.149+11_149+19del on transcript NM_015978.3 (MANE Select); bases 11 to 19 of the intron after coding-DNA position 149, 9 bases deleted (AAGAGTCAT; older notation c.149+11_149+19delAAGAGTCAT).
Molecular consequence: intron variant.
Genome position (GRCh38, 1-based): chr1:74,236,221-74,236,229, AAGAGTCAT deleted; deleting any 9 consecutive bases within chr1:74,236,220-74,236,229 gives the same sequence; the c. name uses the placement nearest the transcript's 3' end. VCF-style (leftmost placement, unchanged base first): chr1-74236219-GTAAGAGTCA-G. GRCh37 (hg19) VCF-style: chr1-74701903-GTAAGAGTCA-G.
Other names: c.452+11_452+19del (NM_001112808.3, NM_001199327.2).
Identifiers: ClinVar variation 2765477 (VCV002765477.3), dbSNP rs1557439837, ClinGen allele CA916208513.
Genomic context (GRCh38, chr1:74,236,219, plus strand): 5'-ATGACCTGCAGATCAAGGAAAAAGAACTGACAGAACTAAGGAATATATTTGGGTAAAGTT[GTAAGAGTCA>G]TTATTTCTTTGTATAAGTGTCTTCAGTATTCACCTTATTTTTTAAAGTATCTGTATATTT-3'

ClinVar aggregate classification (germline): Uncertain significance (1 of 4 stars; one submission).

Submission:

Labcorp Genetics (formerly Invitae), Labcorp
Classification: Uncertain significance. Last evaluated: 2023-10-04. Review status: criteria provided, single submitter. Criteria: Invitae Variant Classification Sherloc (09022015). Collection method: clinical testing. Allele origin: germline.
Comment: This sequence change falls in intron 2 of the TNNI3K gene. It does not directly change the encoded amino acid sequence of the TNNI3K protein. This variant is not present in population databases (gnomAD no frequency). This variant has not been reported in the literature in individuals affected with TNNI3K-related conditions. Algorithms developed to predict the effect of sequence changes on RNA splicing suggest that this variant may disrupt the consensus splice site. In summary, the available evidence is currently insufficient to determine the role of this variant in disease. Therefore, it has been classified as a Variant of Uncertain Significance.